The following is an entry in ClinVar:

NM_001005171.3(OR52K1):c.423C>T (p.Ser141=)

Gene: OR52K1 (olfactory receptor family 52 subfamily K member 1; plus strand). Cytogenetic location: 11p15.4.
Variant type: single nucleotide variant.
Coding change: c.423C>T on transcript NM_001005171.3 (MANE Select); coding-DNA position 423, C replaced by T.
Protein change: p.Ser141=; no amino-acid change (serine 141 retained).
Molecular consequence: synonymous variant.
Genome position (GRCh38, 1-based): chr11:4,489,323, C>T. VCF-style: chr11-4489323-C-T. GRCh37 (hg19) VCF-style: chr11-4510553-C-T.
Other names: c.384C>T, p.Ser128= (NM_001385736.1).
Identifiers: ClinVar variation 2641531 (VCV002641531.24), dbSNP rs3889581, ClinGen allele CA5832347.

ClinVar aggregate classification (germline): Likely benign (1 of 4 stars; one submission).

Allele frequency attached by ClinVar (database versions not stated): gnomAD exomes 0.00109; ExAC 0.00151; gnomAD 0.00260; ESP Exome Variant Server 0.00262; TOPMed 0.00303; 1000 Genomes Project 30x 0.00312; 1000 Genomes Project 0.00339.
gnomAD v4.1: 2,086 of 1,614,162 alleles (0.13%); highest among the groups gnomAD compares: Middle Eastern, 0.74%; 5 homozygotes.

Submission:

CeGaT Center for Human Genetics Tuebingen
Classification: Likely benign. Last evaluated: 2022-09-01. Review status: criteria provided, single submitter. Criteria: CeGaT Center For Human Genetics Tuebingen Variant Classification Criteria Version 2. Collection method: clinical testing. Allele origin: germline. Affected: yes. Observed: 1 variant allele.
Comment: OR52K1: BP4, BP7